The following is an entry in ClinVar:

NM_152564.5(VPS13B):c.501C>T (p.Ile167=)

Gene: VPS13B (vacuolar protein sorting 13 homolog B; plus strand). Cytogenetic location: 8q22.2.
Variant type: single nucleotide variant.
Coding change: c.501C>T on transcript NM_152564.5 (MANE Select); coding-DNA position 501, C replaced by T.
Protein change: p.Ile167=; no amino-acid change (isoleucine 167 retained).
Molecular consequence: synonymous variant. On other transcripts: non-coding transcript variant (1).
Genome position (GRCh38, 1-based): chr8:99,103,041, C>T. VCF-style: chr8-99103041-C-T. GRCh37 (hg19) VCF-style: chr8-100115269-C-T.
Other names: c.501C>T, p.Ile167= (NM_015243.3, NM_017890.5, NM_181661.3); c.501C>T (NM_152564.4).
Identifiers: ClinVar variation 738769 (VCV000738769.11), dbSNP rs765288271, ClinGen allele CA4822400.
Genomic context (GRCh38, chr8:99,103,041, plus strand): 5'-TGTAAATAATGTAAACATTGTGATAAATAATCTCATACTAAAATATGTTGAAGATGATAT[C>T]GTCCTTTCCGTCAATATCACTTCTGCAGAATGTTATACAGTAGGTGAATTATGGGATCGT-3'
Protein context (NP_689777.3, residues 157-177): NLILKYVEDD[Ile167=]VLSVNITSAE

ClinVar aggregate classification (germline): Likely benign. Review status: criteria provided, single submitter (1 of 4 stars). 2 submissions from 2 submitters: Likely benign (1). 1 of the submissions does not count toward it. Last evaluated 2025-10-17.

Conditions:
Cohen syndrome (COH1). Also called: PEPPER SYNDROME; Cutis verticis gyrata, retinitis pigmentosa, and sensorineural deafness. Identifiers: Orphanet 193, MedGen C0265223, MONDO:0008999, OMIM 216550.
VPS13B-related disorder. Also called: VPS13B-related condition.

Allele frequency attached by ClinVar (database versions not stated): gnomAD exomes below 0.00001; ExAC 0.00001; gnomAD 0.00001; TOPMed 0.00001.
gnomAD v4.1: 3 of 1,612,882 alleles (0.00019%); highest among the groups gnomAD compares: African/African-American, 0.0027%; no homozygotes.

Submissions (2):

Labcorp Genetics (formerly Invitae), Labcorp
Classification: Likely benign for Cohen syndrome. Last evaluated: 2025-10-17. Review status: criteria provided, single submitter. Criteria: Invitae Variant Classification Sherloc (09022015). Collection method: clinical testing. Allele origin: germline.

PreventionGenetics, part of Exact Sciences
Classification: Likely benign for VPS13B-related condition. Last evaluated: 2024-05-13. Review status: no assertion criteria provided. Collection method: clinical testing. Allele origin: germline. Not counted in ClinVar's aggregate classification.
Comment: This variant is classified as likely benign based on ACMG/AMP sequence variant interpretation guidelines (Richards et al. 2015 PMID: 25741868, with internal and published modifications).